The following is an entry in ClinVar:

NM_004700.4(KCNQ4):c.886G>A (p.Gly296Ser)

Gene: KCNQ4 (potassium voltage-gated channel subfamily Q member 4; plus strand). Cytogenetic location: 1p34.2.
Variant type: single nucleotide variant.
Coding change: c.886G>A on transcript NM_004700.4 (MANE Select); coding-DNA position 886, G replaced by A.
Protein change: p.Gly296Ser; replaces glycine 296 with serine.
Molecular consequence: missense variant.
Genome position (GRCh38, 1-based): chr1:40,819,926, G>A. VCF-style: chr1-40819926-G-A. GRCh37 (hg19) VCF-style: chr1-41285598-G-A.
Other names: c.886G>A, p.Gly296Ser (NM_172163.3); short protein forms G296S.
Identifiers: ClinVar variation 6249 (VCV000006249.4), dbSNP rs80358279, ClinGen allele CA340540.

ClinVar aggregate classification (germline): Pathogenic. Review status: criteria provided, single submitter (1 of 4 stars). 3 submissions from 3 submitters: Pathogenic (1). 2 of the submissions do not count toward it. Last evaluated 2021-12-29.

Conditions:
KCNQ4-related disorder. Also called: KCNQ4-related condition.
Autosomal dominant nonsyndromic hearing loss 2A. Also called: Autosomal dominant nonsyndromic deafness 2A; DFNA2 Nonsyndromic Hearing Loss; Deafness, autosomal dominant 2A. Identifiers: Orphanet 90635, MedGen C2677637, MONDO:0010817, OMIM 600101.

Submissions (3):

Blueprint Genetics
Classification: Pathogenic for KCNQ4-related disorders. Last evaluated: 2021-12-29. Review status: criteria provided, single submitter. Criteria: ACMG Guidelines, 2015. Collection method: clinical testing. Allele origin: germline. Affected: yes. Observed: 1 variant allele.

ClinVar Staff, National Center for Biotechnology Information (NCBI)
Classification: Pathogenic for Autosomal dominant nonsyndromic hearing loss 2A. Last evaluated: 2015-08-20. Review status: no assertion criteria provided. Collection method: literature only. Allele origin: germline. Affected: yes. Not counted in ClinVar's aggregate classification.
Comment: This variant used to be reported in GeneReviews NBK1209.

OMIM
Classification: Pathogenic for DEAFNESS, AUTOSOMAL DOMINANT 2A. Last evaluated: 2008-02-01. Review status: no assertion criteria provided. Collection method: literature only. Allele origin: germline. Not counted in ClinVar's aggregate classification.

Literature cited by the submitters: PubMed 26036578 (cited by ClinVar Staff, National Center for Biotechnology Information (NCBI)); PubMed 20301388 (cited by ClinVar Staff, National Center for Biotechnology Information (NCBI)); PubMed 18030493 (cited by OMIM).